The following is an entry in ClinVar:

ClinVar aggregate classification (germline): Pathogenic. Review status: criteria provided, multiple submitters, no conflicts (2 of 4 stars). 2 submissions from 2 submitters: Pathogenic (2). Last evaluated 2024-05-20.

Conditions:
Hereditary cancer-predisposing syndrome. Also called: Neoplastic Syndromes, Hereditary; Tumor predisposition; Hereditary Cancer Syndrome; Hereditary neoplastic syndrome. Identifiers: Orphanet 140162, MedGen C0027672, MeSH D009386, MONDO:0015356.
Retinoblastoma (RB1). Also called: RETINOBLASTOMA, SOMATIC. Identifiers: Orphanet 790, MedGen C0035335, MeSH D012175, MONDO:0008380, OMIM 180200, HP:0009919. Disease mechanism: loss of function. Inheritance: Both sporadic and heritable forms are tested..

Submissions (2):

Genetic Diagnostic Laboratory, University of Pennsylvania School of Medicine
Classification: Pathogenic for Retinoblastoma. Last evaluated: 2024-05-20. Review status: criteria provided, single submitter. Criteria: ACMG Guidelines, 2015. Collection method: clinical testing. Allele origin: germline. Affected: yes. Observed: 1 variant allele.
Comment: Case and Pedigree Information: BILATERAL CASES:1, UNILATERAL CASES:0, TOTAL CASES:1, PEDIGREES:1. ACMG Codes Applied:PVS1, PM2

Ambry Genetics
Classification: Pathogenic for Hereditary cancer-predisposing syndrome. Last evaluated: 2016-03-28. Review status: criteria provided, single submitter. Criteria: Ambry Variant Classification Scheme 2023. Collection method: clinical testing. Allele origin: germline.
Comment: The p.Y606* pathogenic mutation (also known as c.1818T>G), located in coding exon 19 of the RB1 gene, results from a T to G substitution at nucleotide position 1818. This changes the amino acid from a tyrosine to a stop codon within coding exon 19. This alteration is expected to result in loss of function by premature protein truncation or nonsense-mediated mRNA decay. As such, this alteration is interpreted as a disease-causing mutation.

Literature cited by the submitters: PubMed 11333669 (cited by Ambry Genetics).

NM_000321.3(RB1):c.1818T>G (p.Tyr606Ter)

Gene: RB1 (RB transcriptional corepressor 1; plus strand). Cytogenetic location: 13q14.2.
Variant type: single nucleotide variant.
Coding change: c.1818T>G on transcript NM_000321.3 (MANE Select); coding-DNA position 1818, T replaced by G.
Protein change: p.Tyr606Ter; replaces tyrosine 606 with a stop codon.
Molecular consequence: nonsense.
Genome position (GRCh38, 1-based): chr13:48,456,207, T>G. VCF-style: chr13-48456207-T-G. GRCh37 (hg19) VCF-style: chr13-49030343-T-G.
Other names: c.1818T>G, p.Tyr606Ter (NM_001407165.1); short protein forms Y606*.
Identifiers: ClinVar variation 1780711 (VCV001780711.3), dbSNP rs137853297, ClinGen allele CA388165695.